The following is an entry in ClinVar:

ClinVar aggregate classification (germline): Conflicting classifications of pathogenicity. Review status: criteria provided, conflicting classifications (1 of 4 stars). 3 submissions from 3 submitters: Likely pathogenic (1); Uncertain significance (2). Last evaluated 2021-03-17.

Conditions:
Charcot-Marie-Tooth disease type 2. Also called: Charcot-Marie-Tooth type 2. Identifiers: Orphanet 64746, MedGen C0270914, MONDO:0018993.

Submissions (3):

Labcorp Genetics (formerly Invitae), Labcorp
Classification: Uncertain significance for Charcot-Marie-Tooth disease type 2. Last evaluated: 2021-03-17. Review status: criteria provided, single submitter. Criteria: Invitae Variant Classification Sherloc (09022015). Collection method: clinical testing. Allele origin: germline.
Comment: In summary, the available evidence is currently insufficient to determine the role of this variant in disease. Therefore, it has been classified as a Variant of Uncertain Significance. Algorithms developed to predict the effect of missense changes on protein structure and function (SIFT, PolyPhen-2, Align-GVGD) all suggest that this variant is likely to be disruptive, but these predictions have not been confirmed by published functional studies and their clinical significance is uncertain. This variant has not been reported in the literature in individuals with LMNA-related conditions. This variant is not present in population databases (ExAC no frequency). This sequence change replaces leucine with proline at codon 313 of the LMNA protein (p.Leu313Pro). The leucine residue is highly conserved and there is a moderate physicochemical difference between leucine and proline.

GeneDx
Classification: Likely pathogenic. Last evaluated: 2019-09-10. Review status: criteria provided, single submitter. Criteria: GeneDx Variant Classification Process June 2021. Collection method: clinical testing. Allele origin: germline. Affected: yes.
Comment: Not observed in large population cohorts (Lek et al., 2016); In silico analysis, which includes protein predictors and evolutionary conservation, supports that this variant does not alter protein structure/function; Has not been previously published as pathogenic or benign to our knowledge

Revvity Omics, Revvity
Classification: Uncertain significance. Last evaluated: 2019-03-01. Review status: criteria provided, single submitter. Criteria: ACMG Guidelines, 2015. Collection method: clinical testing. Allele origin: germline.

NM_170707.4(LMNA):c.938T>C (p.Leu313Pro)

Gene: LMNA (lamin A/C; plus strand). Cytogenetic location: 1q22.
Variant type: single nucleotide variant.
Coding change: c.938T>C on transcript NM_170707.4 (MANE Select); coding-DNA position 938, T replaced by C.
Protein change: p.Leu313Pro; replaces leucine 313 with proline.
Molecular consequence: missense variant.
Genome position (GRCh38, 1-based): chr1:156,135,902, T>C. VCF-style: chr1-156135902-T-C. GRCh37 (hg19) VCF-style: chr1-156105693-T-C.
Other names: c.938T>C (NM_170707.3); c.602T>C, p.Leu201Pro (NM_001257374.3); c.695T>C, p.Leu232Pro (NM_001282624.2); c.938T>C, p.Leu313Pro (NM_001282625.2, NM_001282626.2, NM_005572.4 and 1 more transcripts); short protein forms L201P, L232P, L313P.
Identifiers: ClinVar variation 1202871 (VCV001202871.13), dbSNP rs2102886618, ClinGen allele CA342819726.
Genomic context (GRCh38, chr1:156,135,902, plus strand): 5'-CCTCCTTCCCCATACTTAGGGCCCTTGGGAGCTCACCAAACCCTCCCACCCCCCTTCAGC[T>C]GGCAGCCAAGGAGGCGAAGCTTCGAGACCTGGAGGACTCACTGGCCCGTGAGCGGGACAC-3'
Protein context (NP_733821.1, residues 303-323): SAQLSQLQKQ[Leu313Pro]AAKEAKLRDL